The following is an entry in ClinVar:

NM_000026.4(ADSL):c.628C>T (p.Gln210Ter)

Gene: ADSL (adenylosuccinate lyase; plus strand). Cytogenetic location: 22q13.1.
Variant type: single nucleotide variant.
Coding change: c.628C>T on transcript NM_000026.4 (MANE Select); coding-DNA position 628, C replaced by T.
Protein change: p.Gln210Ter; replaces glutamine 210 with a stop codon.
Molecular consequence: nonsense. On other transcripts: non-coding transcript variant (1).
Genome position (GRCh38, 1-based): chr22:40,359,009, C>T. VCF-style: chr22-40359009-C-T. GRCh37 (hg19) VCF-style: chr22-40755013-C-T.
Other names: c.628C>T, p.Gln210Ter (NM_001123378.3, NM_001363840.3); c.436C>T, p.Gln146Ter (NM_001317923.2); short protein forms Q146*, Q210*.
Identifiers: ClinVar variation 1452821 (VCV001452821.6), dbSNP rs1410270058, ClinGen allele CA411641342.

ClinVar aggregate classification (germline): Pathogenic (1 of 4 stars; one submission).

Conditions:
Adenylosuccinate lyase deficiency (ADSLD). Also called: ADSL DEFICIENCY. Identifiers: Orphanet 46, MedGen C0268126, MONDO:0007068, OMIM 103050.

Allele frequency attached by ClinVar (database versions not stated): gnomAD exomes below 0.00001.

Submission:

Labcorp Genetics (formerly Invitae), Labcorp
Classification: Pathogenic for Adenylosuccinate lyase deficiency. Last evaluated: 2025-06-16. Review status: criteria provided, single submitter. Criteria: Invitae Variant Classification Sherloc (09022015). Collection method: clinical testing. Allele origin: germline.
Comment: This sequence change creates a premature translational stop signal (p.Gln210*) in the ADSL gene. It is expected to result in an absent or disrupted protein product. Loss-of-function variants in ADSL are known to be pathogenic (PMID: 10888601, 20177786). This variant is present in population databases (no rsID available, gnomAD 0.0009%). This variant has not been reported in the literature in individuals affected with ADSL-related conditions. ClinVar contains an entry for this variant (Variation ID: 1452821). Algorithms developed to predict the effect of sequence changes on RNA splicing suggest that this variant may disrupt the consensus splice site. For these reasons, this variant has been classified as Pathogenic.

Literature cited by the submitters: PubMed 10888601; PubMed 20177786.